The following is an entry in ClinVar:

NM_021076.4(NEFH):c.2704A>G (p.Lys902Glu)

Gene: NEFH (neurofilament heavy chain; plus strand). Cytogenetic location: 22q12.2.
Variant type: single nucleotide variant.
Coding change: c.2704A>G on transcript NM_021076.4 (MANE Select); coding-DNA position 2704, A replaced by G.
Protein change: p.Lys902Glu; replaces lysine 902 with glutamic acid.
Molecular consequence: missense variant.
Genome position (GRCh38, 1-based): chr22:29,490,344, A>G. VCF-style: chr22-29490344-A-G. GRCh37 (hg19) VCF-style: chr22-29886333-A-G.
Other names: short protein forms K902E.
Identifiers: ClinVar variation 3637763 (VCV003637763.2).

ClinVar aggregate classification (germline): Uncertain significance (1 of 4 stars; one submission).

Submission:

Labcorp Genetics (formerly Invitae), Labcorp
Classification: Uncertain significance. Last evaluated: 2024-10-28. Review status: criteria provided, single submitter. Criteria: Invitae Variant Classification Sherloc (09022015). Collection method: clinical testing. Allele origin: germline.
Comment: This sequence change replaces lysine, which is basic and polar, with glutamic acid, which is acidic and polar, at codon 902 of the NEFH protein (p.Lys902Glu). This variant is not present in population databases (gnomAD no frequency). This variant has not been reported in the literature in individuals affected with NEFH-related conditions. Invitae Evidence Modeling of protein sequence and biophysical properties (such as structural, functional, and spatial information, amino acid conservation, physicochemical variation, residue mobility, and thermodynamic stability) indicates that this missense variant is not expected to disrupt NEFH protein function with a negative predictive value of 95%. In summary, the available evidence is currently insufficient to determine the role of this variant in disease. Therefore, it has been classified as a Variant of Uncertain Significance.